The following is an entry in ClinVar:

NM_001379081.2(FREM1):c.4600G>A (p.Asp1534Asn)

Gene: FREM1 (FRAS1 related extracellular matrix 1; minus strand). Cytogenetic location: 9p22.3.
Variant type: single nucleotide variant.
Coding change: c.4600G>A on transcript NM_001379081.2 (MANE Select); coding-DNA position 4600, G replaced by A.
Protein change: p.Asp1534Asn; replaces aspartic acid 1534 with asparagine.
Molecular consequence: missense variant. On other transcripts: non-coding transcript variant (2).
Genome position (GRCh38, 1-based): chr9:14,776,046, C>T on the plus strand (G>A on the coding strand, the complement: FREM1 is on the minus strand). VCF-style: chr9-14776046-C-T. GRCh37 (hg19) VCF-style: chr9-14776044-C-T.
Other names: c.208G>A, p.Asp70Asn (NM_001177704.3, NM_001370058.2, NM_001370061.2); c.4600G>A, p.Asp1534Asn (NM_144966.7); short protein forms D1534N, D70N.
Identifiers: ClinVar variation 1986918 (VCV001986918.2), dbSNP rs374901721, ClinGen allele CA4990121.
Genomic context (GRCh38, chr9:14,776,046, plus strand): 5'-GGCCATGCTGGGGGAGCTGAACCAAGAGGAAGGTGAGGTTCTCCGCAGGTGTATCAGGGT[C>T]GGTCAGCTGAAGGAGGTCAGGGGAAAGCAGGCCCACGGCCCCTTGGGCCAGTCTCAACCC-3'
Protein context (NP_001366010.1, residues 1524-1544): LLSPDLLQLT[Asp1534Asn]PDTPAENLTF

ClinVar aggregate classification (germline): Uncertain significance (1 of 4 stars; one submission).

Allele frequency attached by ClinVar (database versions not stated): gnomAD 0.00002; ExAC 0.00004; TOPMed 0.00004; ESP Exome Variant Server 0.00008.
gnomAD v4.1: 129 of 1,613,838 alleles (0.008%); highest among the groups gnomAD compares: Middle Eastern, 0.049%; no homozygotes.

Submission:

Labcorp Genetics (formerly Invitae), Labcorp
Classification: Uncertain significance. Last evaluated: 2024-06-03. Review status: criteria provided, single submitter. Criteria: Invitae Variant Classification Sherloc (09022015). Collection method: clinical testing. Allele origin: germline.
Comment: This sequence change replaces aspartic acid, which is acidic and polar, with asparagine, which is neutral and polar, at codon 1534 of the FREM1 protein (p.Asp1534Asn). This variant is present in population databases (rs374901721, gnomAD 0.01%). This variant has not been reported in the literature in individuals affected with FREM1-related conditions. ClinVar contains an entry for this variant (Variation ID: 1986918). Advanced modeling of protein sequence and biophysical properties (such as structural, functional, and spatial information, amino acid conservation, physicochemical variation, residue mobility, and thermodynamic stability) performed at Invitae indicates that this missense variant is expected to disrupt FREM1 protein function with a positive predictive value of 80%. In summary, the available evidence is currently insufficient to determine the role of this variant in disease. Therefore, it has been classified as a Variant of Uncertain Significance.